The following is an entry in ClinVar:

NM_020778.5(ALPK3):c.2432A>G (p.Glu811Gly)

Gene: ALPK3 (alpha kinase 3; plus strand). Cytogenetic location: 15q25.3.
Variant type: single nucleotide variant.
Coding change: c.2432A>G on transcript NM_020778.5 (MANE Select); coding-DNA position 2432, A replaced by G.
Protein change: p.Glu811Gly; replaces glutamic acid 811 with glycine.
Molecular consequence: missense variant.
Genome position (GRCh38, 1-based): chr15:84,857,170, A>G. VCF-style: chr15-84857170-A-G. GRCh37 (hg19) VCF-style: chr15-85400401-A-G.
Other names: c.3038A>G (NM_020778.4); short protein forms E811G.
Identifiers: ClinVar variation 1434097 (VCV001434097.7), dbSNP rs2141567846, ClinGen allele CA393357129.

ClinVar aggregate classification (germline): Conflicting classifications of pathogenicity. Review status: criteria provided, conflicting classifications (1 of 4 stars). 2 submissions from 2 submitters: Uncertain significance (1); Likely benign (1). Last evaluated 2024-01-05.

Conditions:
Cardiovascular phenotype. Identifiers: MedGen CN230736.

Allele frequency attached by ClinVar (database versions not stated): gnomAD exomes below 0.00001.
gnomAD v4.1: 6 of 1,614,014 alleles (0.00037%); highest among the groups gnomAD compares: Non-Finnish European, 0.00051%; no homozygotes.

Submissions (2):

Ambry Genetics
Classification: Likely benign for Cardiovascular phenotype. Last evaluated: 2024-01-05. Review status: criteria provided, single submitter. Criteria: Ambry Variant Classification Scheme 2023. Collection method: clinical testing. Allele origin: germline.

Labcorp Genetics (formerly Invitae), Labcorp
Classification: Uncertain significance. Last evaluated: 2022-08-18. Review status: criteria provided, single submitter. Criteria: Invitae Variant Classification Sherloc (09022015). Collection method: clinical testing. Allele origin: germline.
Comment: This sequence change replaces glutamic acid, which is acidic and polar, with glycine, which is neutral and non-polar, at codon 1013 of the ALPK3 protein (p.Glu1013Gly). In summary, the available evidence is currently insufficient to determine the role of this variant in disease. Therefore, it has been classified as a Variant of Uncertain Significance. Algorithms developed to predict the effect of missense changes on protein structure and function output the following: SIFT: "Tolerated"; PolyPhen-2: "Benign"; Align-GVGD: "Class C0". The glycine amino acid residue is found in multiple mammalian species, which suggests that this missense change does not adversely affect protein function. ClinVar contains an entry for this variant (Variation ID: 1434097). This variant has not been reported in the literature in individuals affected with ALPK3-related conditions. This variant is not present in population databases (gnomAD no frequency).